The following is an entry in ClinVar:

ClinVar aggregate classification (germline): Uncertain significance (1 of 4 stars; one submission).

Conditions:
Primary dilated cardiomyopathy (DCM). Also called: Dilated Cardiomyopathy. Identifiers: Orphanet 217604, MedGen C0007193, MeSH D002311, MONDO:0005021, HP:0001644. Inheritance: Various modes of inheritance.

Submission:

Labcorp Genetics (formerly Invitae), Labcorp
Classification: Uncertain significance for Primary dilated cardiomyopathy. Last evaluated: 2025-10-13. Review status: criteria provided, single submitter. Criteria: Invitae Variant Classification Sherloc (09022015). Collection method: clinical testing. Allele origin: germline.
Comment: This sequence change replaces aspartic acid, which is acidic and polar, with tyrosine, which is neutral and polar, at codon 149 of the TXNRD2 protein (p.Asp149Tyr). This variant is not present in population databases (gnomAD no frequency). This variant has not been reported in the literature in individuals affected with TXNRD2-related conditions. Invitae Evidence Modeling of protein sequence and biophysical properties (such as structural, functional, and spatial information, amino acid conservation, physicochemical variation, residue mobility, and thermodynamic stability) indicates that this missense variant is expected to disrupt TXNRD2 protein function with a positive predictive value of 80%. In summary, the available evidence is currently insufficient to determine the role of this variant in disease. Therefore, it has been classified as a Variant of Uncertain Significance.

NM_006440.5(TXNRD2):c.445G>T (p.Asp149Tyr)

Gene: TXNRD2 (thioredoxin reductase 2; minus strand). Cytogenetic location: 22q11.21.
Variant type: single nucleotide variant.
Coding change: c.445G>T on transcript NM_006440.5 (MANE Select); coding-DNA position 445, G replaced by T.
Protein change: p.Asp149Tyr; replaces aspartic acid 149 with tyrosine.
Molecular consequence: missense variant. On other transcripts: non-coding transcript variant (1).
Genome position (GRCh38, 1-based): chr22:19,918,147, C>A on the plus strand (G>T on the coding strand, the complement: TXNRD2 is on the minus strand). VCF-style: chr22-19918147-C-A. GRCh37 (hg19) VCF-style: chr22-19905670-C-A.
Other names: c.445G>T, p.Asp149Tyr (NM_001282512.3); c.442G>T, p.Asp148Tyr (NM_001352300.2); c.355G>T, p.Asp119Tyr (NM_001352301.2); c.157G>T, p.Asp53Tyr (NM_001352302.2); c.349G>T, p.Asp117Tyr (NM_001352303.2); short protein forms D53Y, D148Y, D119Y, D149Y, D117Y.
Identifiers: ClinVar variation 4740120 (VCV004740120.1).